The following is an entry in ClinVar:

ClinVar aggregate classification (germline): Conflicting classifications of pathogenicity. Review status: criteria provided, conflicting classifications (1 of 4 stars). 3 submissions from 3 submitters: Uncertain significance (2); Benign (1). Last evaluated 2025-10-05.

Conditions:
Retinoblastoma (RB1). Also called: RETINOBLASTOMA, SOMATIC. Identifiers: Orphanet 790, MedGen C0035335, MeSH D012175, MONDO:0008380, OMIM 180200, HP:0009919. Disease mechanism: loss of function. Inheritance: Both sporadic and heritable forms are tested..
Hereditary cancer-predisposing syndrome. Also called: Tumor predisposition; Hereditary Cancer Syndrome; Hereditary neoplastic syndrome; Neoplastic Syndromes, Hereditary. Identifiers: Orphanet 140162, MedGen C0027672, MeSH D009386, MONDO:0015356.

Allele frequency attached by ClinVar (database versions not stated): gnomAD 0.00001; TOPMed 0.00001.
gnomAD v4.1: 11 of 1,613,072 alleles (0.00068%); highest among the groups gnomAD compares: Non-Finnish European, 0.00093%; no homozygotes.

Submissions (3):

Ambry Genetics
Classification: Uncertain significance for Hereditary cancer-predisposing syndrome. Last evaluated: 2025-10-05. Review status: criteria provided, single submitter. Criteria: Ambry Variant Classification Scheme 2023. Collection method: clinical testing. Allele origin: germline.
Comment: The p.A589G variant (also known as c.1766C>G), located in coding exon 18 of the RB1 gene, results from a C to G substitution at nucleotide position 1766. The alanine at codon 589 is replaced by glycine, an amino acid with similar properties. This amino acid position is not well conserved in available vertebrate species. In addition, this alteration is predicted to be tolerated by in silico analysis. Since supporting evidence is limited at this time, the clinical significance of this alteration remains unclear.

Labcorp Genetics (formerly Invitae), Labcorp
Classification: Benign for Retinoblastoma. Last evaluated: 2025-04-02. Review status: criteria provided, single submitter. Criteria: Invitae Variant Classification Sherloc (09022015). Collection method: clinical testing. Allele origin: germline.

All of Us Research Program, National Institutes of Health
Classification: Uncertain significance for Retinoblastoma. Last evaluated: 2023-10-02. Review status: criteria provided, single submitter. Criteria: ACMG Guidelines, 2015. Collection method: clinical testing. Allele origin: germline. Inheritance: Autosomal dominant inheritance. Observed: 2 variant alleles, 2 heterozygotes.
Comment: This missense variant replaces alanine with glycine at codon 589 of the RB1 protein. Computational prediction suggests that this variant may not impact protein structure and function (internally defined REVEL score threshold <= 0.5, PMID: 27666373). To our knowledge, functional studies have not been reported for this variant. This variant has not been reported in individuals affected with RB1-related disorders in the literature. This variant has been identified in 1/250962 chromosomes in the general population by the Genome Aggregation Database (gnomAD). The available evidence is insufficient to determine the role of this variant in disease conclusively. Therefore, this variant is classified as a Variant of Uncertain Significance.

This study involves interpretation of variants in research participants for the purpose of population health screening. Participant phenotype was not available at the time of variant classification. Additional details can be found in publication PMID: 35346344, PMCID: PMC8962531

NM_000321.3(RB1):c.1766C>G (p.Ala589Gly)

Gene: RB1 (RB transcriptional corepressor 1; plus strand). Cytogenetic location: 13q14.2.
Variant type: single nucleotide variant.
Coding change: c.1766C>G on transcript NM_000321.3 (MANE Select); coding-DNA position 1766, C replaced by G.
Protein change: p.Ala589Gly; replaces alanine 589 with glycine.
Molecular consequence: missense variant.
Genome position (GRCh38, 1-based): chr13:48,453,063, C>G. VCF-style: chr13-48453063-C-G. GRCh37 (hg19) VCF-style: chr13-49027199-C-G.
Other names: short protein forms A589G.
Identifiers: ClinVar variation 410941 (VCV000410941.17), dbSNP rs779045727, ClinGen allele CA16614018.